The following is an entry in ClinVar:

ClinVar aggregate classification (germline): Likely benign (1 of 4 stars; one submission).

Conditions:
Neuronal ceroid lipofuscinosis 7 (CLN7). Also called: MFSD8-Related Neuronal Ceroid-Lipofuscinosis. Identifiers: Orphanet 168491, Orphanet 228366, MedGen C1838571, MONDO:0012588, OMIM 610951.

Allele frequency attached by ClinVar (database versions not stated): gnomAD 0.00303 and 0.00326; TOPMed 0.00349; 1000 Genomes Project 0.00379; 1000 Genomes Project 30x 0.00406.
gnomAD v4.1: 454 of 152,370 alleles (0.3%); highest among the groups gnomAD compares: African/African-American, 1.1%; 4 homozygotes.

Submission:

Illumina Laboratory Services, Illumina
Classification: Likely benign for Neuronal ceroid lipofuscinosis 7. Last evaluated: 2018-01-12. Review status: criteria provided, single submitter. Criteria: ICSL Variant Classification Criteria 13 December 2019. Collection method: clinical testing. Allele origin: germline.
Comment: This variant was observed in the ICSL laboratory as part of a predisposition screen in an ostensibly healthy population. It had not been previously curated by ICSL or reported in the Human Gene Mutation Database (HGMD: prior to June 1st, 2018), and was therefore a candidate for classification through an automated scoring system. Utilizing variant allele frequency, disease prevalence and penetrance estimates, and inheritance mode, an automated score was calculated to assess if this variant is too frequent to cause the disease. Based on the score and internal cut-off values, a variant classified as likely benign is not then subjected to further curation. The score for this variant resulted in a classification of likely benign for this disease.

NM_001371596.2(MFSD8):c.*2689T>C

Gene: MFSD8 (major facilitator superfamily domain containing 8; minus strand). Cytogenetic location: 4q28.2.
Variant type: single nucleotide variant.
Coding change: c.*2689T>C on transcript NM_001371596.2 (MANE Select); 2689 bases downstream of the stop codon, T replaced by C.
Molecular consequence: 3 prime UTR variant.
Genome position (GRCh38, 1-based): chr4:127,917,941, A>G on the plus strand (T>C on the coding strand, the complement: MFSD8 is on the minus strand). VCF-style: chr4-127917941-A-G. GRCh37 (hg19) VCF-style: chr4-128839096-A-G.
Other names: c.*2689T>C (NM_001363520.3, NM_001363521.3, NM_001371590.2 and 7 more transcripts); c.*3818T>C (NM_001410766.1).
Identifiers: ClinVar variation 347517 (VCV000347517.7), dbSNP rs189321020, ClinGen allele CA10620062.